The following is an entry in ClinVar:

ClinVar aggregate classification (germline): Uncertain significance (1 of 4 stars; one submission).

gnomAD v4.1: 2 of 1,613,762 alleles (0.00012%); highest among the groups gnomAD compares: African/African-American, 0.0027%; no homozygotes.

Submission:

Women's Health and Genetics/Laboratory Corporation of America, LabCorp
Classification: Uncertain significance. Last evaluated: 2025-05-20. Review status: criteria provided, single submitter. Criteria: LabCorp Variant Classification Summary - May 2015. Collection method: clinical testing. Allele origin: germline.
Comment: Variant summary: KMT2C c.5438A>G (p.Gln1813Arg) results in a conservative amino acid change in the encoded protein sequence. Algorithms developed to predict the effect of missense changes on protein structure and function are either unavailable or do not agree on the potential impact of this missense change. The variant allele was found at a frequency of 4e-06 in 251096 control chromosomes. The available data on variant occurrences in the general population are insufficient to allow any conclusion about variant significance. To our knowledge, no occurrence of c.5438A>G in individuals affected with Kleefstra Syndrome 2 and no experimental evidence demonstrating its impact on protein function have been reported. No submitters have cited clinical-significance assessments for this variant to ClinVar. Based on the evidence outlined above, the variant was classified as uncertain significance.

NM_170606.3(KMT2C):c.5438A>G (p.Gln1813Arg)

Gene: KMT2C (lysine methyltransferase 2C; minus strand). Cytogenetic location: 7q36.1.
Variant type: single nucleotide variant.
Coding change: c.5438A>G on transcript NM_170606.3 (MANE Select); coding-DNA position 5438, A replaced by G.
Protein change: p.Gln1813Arg; replaces glutamine 1813 with arginine.
Molecular consequence: missense variant.
Genome position (GRCh38, 1-based): chr7:152,182,422, T>C on the plus strand (A>G on the coding strand, the complement: KMT2C is on the minus strand). VCF-style: chr7-152182422-T-C. GRCh37 (hg19) VCF-style: chr7-151879507-T-C.
Other names: short protein forms Q1813R.
Identifiers: ClinVar variation 3902116 (VCV003902116.1).